The following is an entry in ClinVar:

NC_000023.10:g.(?_32235033)_(32867937_?)del

Gene: DMD (dystrophin; minus strand). Cytogenetic location: Xp21.1.
Variant type: Deletion.
Identifiers: ClinVar variation 1073609 (VCV001073609.2).

ClinVar aggregate classification (germline): Pathogenic (1 of 4 stars; one submission).

Conditions:
Duchenne muscular dystrophy (DMD). Also called: MUSCULAR DYSTROPHY, PSEUDOHYPERTROPHIC PROGRESSIVE, DUCHENNE TYPE; Duchenne Muscular Dystrophy (DMD). Identifiers: Orphanet 98896, MedGen C0013264, MONDO:0010679, OMIM 310200.

Submission:

Labcorp Genetics (formerly Invitae), Labcorp
Classification: Pathogenic for Duchenne muscular dystrophy. Last evaluated: 2020-01-23. Review status: criteria provided, single submitter. Criteria: Invitae Variant Classification Sherloc (09022015). Collection method: clinical testing. Allele origin: germline.
Comment: This variant is an in-frame deletion of the genomic region encompassing exons 3-44 of the DMD gene. It preserves the integrity of the reading frame. Similar copy number variants have been observed in individual(s) with Duchenne muscular dystrophy (PMID: 15637982, 18752307, 21515508). For these reasons, this variant has been classified as Pathogenic.

Literature cited by the submitters: PubMed 15637982; PubMed 18752307; PubMed 21515508.